The following is an entry in ClinVar:

ClinVar aggregate classification (germline): Uncertain significance (1 of 4 stars; one submission).

Submission:

Women's Health and Genetics/Laboratory Corporation of America, LabCorp
Classification: Uncertain significance. Last evaluated: 2024-07-22. Review status: criteria provided, single submitter. Criteria: LabCorp Variant Classification Summary - May 2015. Collection method: clinical testing. Allele origin: germline.
Comment: Variant summary: COL4A3 c.1642G>A (p.Gly548Arg) results in a non-conservative amino acid change in the encoded protein sequence. Four of five in-silico tools predict a damaging effect of the variant on protein function. The variant was absent in 249520 control chromosomes. The available data on variant occurrences in the general population are insufficient to allow any conclusion about variant significance. To our knowledge, no occurrence of c.1642G>A in individuals affected with Alport Syndrome, Autosomal Recessive and no experimental evidence demonstrating its impact on protein function have been reported. No submitters have cited clinical-significance assessments for this variant to ClinVar. Based on the evidence outlined above, the variant was classified as uncertain significance.

NM_000091.5(COL4A3):c.1642G>A (p.Gly548Arg)

Genes: MFF-DT (MFF divergent transcript; minus strand), COL4A3 (collagen type IV alpha 3 chain; plus strand). Cytogenetic location: 2q36.3.
Variant type: single nucleotide variant.
Coding change: c.1642G>A on transcript NM_000091.5 (MANE Select); coding-DNA position 1642, G replaced by A.
Protein change: p.Gly548Arg; replaces glycine 548 with arginine.
Molecular consequence: missense variant.
Genome position (GRCh38, 1-based): chr2:227,270,836, G>A. VCF-style: chr2-227270836-G-A. GRCh37 (hg19) VCF-style: chr2-228135552-G-A.
Other names: short protein forms G548R.
Identifiers: ClinVar variation 3339406 (VCV003339406.1).